The following is an entry in ClinVar:

NM_001148.6(ANK2):c.11632C>G (p.Pro3878Ala)

Gene: ANK2 (ankyrin 2; plus strand). Cytogenetic location: 4q26.
Variant type: single nucleotide variant.
Coding change: c.11632C>G on transcript NM_001148.6 (MANE Select); coding-DNA position 11632, C replaced by G.
Protein change: p.Pro3878Ala; replaces proline 3878 with alanine.
Molecular consequence: missense variant. On other transcripts: intron variant (1).
Genome position (GRCh38, 1-based): chr4:113,373,111, C>G. VCF-style: chr4-113373111-C-G. GRCh37 (hg19) VCF-style: chr4-114294267-C-G.
Other names: c.5350C>G, p.Pro1784Ala (NM_001127493.3); c.5389C>G, p.Pro1797Ala (NM_001354225.2); c.5371C>G, p.Pro1791Ala (NM_001354228.2); c.5356C>G, p.Pro1786Ala (NM_001354230.2); c.5512C>G, p.Pro1838Ala (NM_001354231.2); c.5506C>G, p.Pro1836Ala (NM_001354232.2); c.5467C>G, p.Pro1823Ala (NM_001354235.2); c.5275C>G, p.Pro1759Ala (NM_001354236.2); and 44 more; short protein forms P1632A, P1665A, P1693A, P1698A, P1706A, P1715A, P1718A, P1720A.
Identifiers: ClinVar variation 1062174 (VCV001062174.8), dbSNP rs369756604, ClinGen allele CA103826977.

ClinVar aggregate classification (germline): Uncertain significance. Review status: criteria provided, multiple submitters, no conflicts (2 of 4 stars). 2 submissions from 2 submitters: Uncertain significance (2). Last evaluated 2024-12-14.

Conditions:
Long QT syndrome (LQTS). Identifiers: MedGen C0023976, MeSH D008133, MONDO:0002442. Disease mechanism: loss of function. Inheritance: Various modes of inheritance.
Cardiovascular phenotype. Identifiers: MedGen CN230736.

Allele frequency attached by ClinVar (database versions not stated): gnomAD 0.00001; TOPMed 0.00001; ESP Exome Variant Server 0.00008.
gnomAD v4.1: 25 of 1,613,884 alleles (0.0015%); highest among the groups gnomAD compares: Non-Finnish European, 0.0021%; no homozygotes.

Submissions (2):

Ambry Genetics
Classification: Uncertain significance for Cardiovascular phenotype. Last evaluated: 2024-12-14. Review status: criteria provided, single submitter. Criteria: Ambry Variant Classification Scheme 2023. Collection method: clinical testing. Allele origin: germline.
Comment: The p.P3878A variant (also known as c.11632C>G), located in coding exon 44 of the ANK2 gene, results from a C to G substitution at nucleotide position 11632. The proline at codon 3878 is replaced by alanine, an amino acid with highly similar properties. This amino acid position is conserved. In addition, the in silico prediction for this alteration is inconclusive. Since supporting evidence is limited at this time, the clinical significance of this alteration remains unclear.

Labcorp Genetics (formerly Invitae), Labcorp
Classification: Uncertain significance for Long QT syndrome. Last evaluated: 2022-01-14. Review status: criteria provided, single submitter. Criteria: Invitae Variant Classification Sherloc (09022015). Collection method: clinical testing. Allele origin: germline.
Comment: Algorithms developed to predict the effect of missense changes on protein structure and function are either unavailable or do not agree on the potential impact of this missense change (SIFT: "Tolerated"; PolyPhen-2: "Possibly Damaging"; Align-GVGD: "Class C0"). ClinVar contains an entry for this variant (Variation ID: 1062174). This variant has not been reported in the literature in individuals affected with ANK2-related conditions. This variant is not present in population databases (gnomAD no frequency). This sequence change replaces proline, which is neutral and non-polar, with alanine, which is neutral and non-polar, at codon 3878 of the ANK2 protein (p.Pro3878Ala). In summary, the available evidence is currently insufficient to determine the role of this variant in disease. Therefore, it has been classified as a Variant of Uncertain Significance. Algorithms developed to predict the effect of sequence changes on RNA splicing suggest that this variant may create or strengthen a splice site.